The following is an entry in ClinVar:

ClinVar aggregate classification (germline): Likely pathogenic (1 of 4 stars; one submission).

Conditions:
Maturity-onset diabetes of the young type 3. Also called: MODY type 3; MODY, type III. Identifiers: Orphanet 552, MedGen C1838100, MeSH C563933, MONDO:0010894, OMIM 600496. Disease mechanism: loss of function.

gnomAD v4.1: 3 of 1,612,950 alleles (0.00019%); highest among the groups gnomAD compares: Non-Finnish European, 0.00025%; no homozygotes.

Submission:

Geisinger Clinic, Geisinger Health System
Classification: Likely pathogenic for Maturity-onset diabetes of the young type 3. Last evaluated: 2022-08-02. Review status: criteria provided, single submitter. Criteria: ACMG Guidelines, 2015. Collection method: research. Allele origin: germline. Inheritance: Autosomal dominant inheritance. Affected: yes. Observed: 1 variant allele.
Comment: PP3, PM2, PP4_Supporting, PM1_Supporting, PP1_Supporting

Literature cited by the submitters: PubMed 36257325.

NM_000545.8(HNF1A):c.1469T>G (p.Met490Arg)

Gene: HNF1A (HNF1 homeobox A; plus strand). Cytogenetic location: 12q24.31.
Variant type: single nucleotide variant.
Coding change: c.1469T>G on transcript NM_000545.8 (MANE Select); coding-DNA position 1469, T replaced by G.
Protein change: p.Met490Arg; replaces methionine 490 with arginine.
Molecular consequence: missense variant.
Genome position (GRCh38, 1-based): chr12:120,997,633, T>G. VCF-style: chr12-120997633-T-G. GRCh37 (hg19) VCF-style: chr12-121435436-T-G.
Other names: c.1469T>G, p.Met490Arg (NM_001306179.2); short protein forms M490R.
Identifiers: ClinVar variation 1700666 (VCV001700666.2), dbSNP rs775893674, ClinGen allele CA386970321.